The following is an entry in ClinVar:

NM_000038.6(APC):c.2536del (p.Ser846fs)

Gene: APC (APC regulator of Wnt signaling pathway; plus strand). Cytogenetic location: 5q22.2.
Variant type: Deletion.
Coding change: c.2536del on transcript NM_000038.6 (MANE Select); coding-DNA position 2536, one base deleted (T; older notation c.2536delT).
Protein change: p.Ser846fs; shifts the reading frame from serine 846.
Molecular consequence: frameshift variant.
Genome position (GRCh38, 1-based): chr5:112,838,130, T deleted; the last of 2 consecutive T bases (chr5:112,838,129-112,838,130); deleting either gives the same sequence. VCF-style (leftmost placement, unchanged base first): chr5-112838128-GT-G. GRCh37 (hg19) VCF-style: chr5-112173825-GT-G.
Other names: c.2536del, p.Ser846fs (NM_001127510.3, NM_001354895.2); c.2482del, p.Ser828fs (NM_001127511.3); c.2590del, p.Ser864fs (NM_001354896.2); c.2566del, p.Ser856fs (NM_001354897.2); c.2461del, p.Ser821fs (NM_001354898.2); c.2452del, p.Ser818fs (NM_001354899.2); c.2413del, p.Ser805fs (NM_001354900.2); c.2359del, p.Ser787fs (NM_001354901.2); and 6 more; short protein forms S563fs, S686fs, S755fs, S818fs, S846fs, S745fs, S787fs, S805fs.
Identifiers: ClinVar variation 654193 (VCV000654193.13), dbSNP rs1580623656, ClinGen allele CA915942621.

ClinVar aggregate classification (germline): Pathogenic. Review status: criteria provided, multiple submitters, no conflicts (2 of 4 stars). 3 submissions from 3 submitters: Pathogenic (3). Last evaluated 2023-06-09.

Conditions:
Familial adenomatous polyposis 1 (FAP1). Also called: POLYPOSIS, ADENOMATOUS INTESTINAL; FAMILIAL ADENOMATOUS POLYPOSIS 1, ATTENUATED. Identifiers: MedGen C2713442, MONDO:0021056, OMIM 175100. Disease mechanism: loss of function.

Submissions (3):

National Molecular Genetics Centre of Cancer Research, N.N. Alexandrov National Cancer Centre of Belarus
Classification: Pathogenic for Familial adenomatous polyposis 1. Last evaluated: 2023-06-09. Review status: criteria provided, single submitter. Criteria: ACMG Guidelines, 2015. Collection method: clinical testing. Allele origin: germline. Inheritance: Autosomal dominant inheritance. Affected: yes. Observed: 2 variant alleles.

Myriad Genetics, Inc.
Classification: Pathogenic for Familial adenomatous polyposis 1. Last evaluated: 2023-05-04. Review status: criteria provided, single submitter. Criteria: Myriad Autosomal Dominant, Autosomal Recessive and X-Linked Classification Criteria (2023). Collection method: clinical testing. Allele origin: unknown.
Comment: This variant is considered pathogenic. This variant creates a frameshift predicted to result in premature protein truncation.

Labcorp Genetics (formerly Invitae), Labcorp
Classification: Pathogenic for Familial adenomatous polyposis 1. Last evaluated: 2022-07-08. Review status: criteria provided, single submitter. Criteria: Invitae Variant Classification Sherloc (09022015). Collection method: clinical testing. Allele origin: germline.
Comment: This variant is not present in population databases (gnomAD no frequency). For these reasons, this variant has been classified as Pathogenic. A different truncation (p.Tyr2645Lysfs*14) that lies downstream of this variant has been determined to be pathogenic (PMID: 9824584, 1316610, 27081525, 8381579, 22135120, Invitae). This suggests that deletion of this region of the APC protein is causative of disease. This variant is expected to disrupt the EB1 and HDLG binding sites, which mediate interactions with the cytoskeleton (PMID: 15311282, 17293347). While functional studies have not been performed to directly test the effect on APC protein function, this suggests that disruption of the C-terminal portion of the protein is functionally important. ClinVar contains an entry for this variant (Variation ID: 654193). This variant has not been reported in the literature in individuals affected with APC-related conditions. This sequence change creates a premature translational stop signal (p.Ser846Leufs*15) in the APC gene. While this is not anticipated to result in nonsense mediated decay, it is expected to disrupt the last 1998 amino acid(s) of the APC protein.

Literature cited by the submitters: PubMed 9824584 (cited by Labcorp Genetics (formerly Invitae), Labcorp); PubMed 1316610 (cited by Labcorp Genetics (formerly Invitae), Labcorp); PubMed 27081525 (cited by Labcorp Genetics (formerly Invitae), Labcorp); PubMed 8381579 (cited by Labcorp Genetics (formerly Invitae), Labcorp); PubMed 22135120 (cited by Labcorp Genetics (formerly Invitae), Labcorp); PubMed 15311282 (cited by Labcorp Genetics (formerly Invitae), Labcorp); PubMed 17293347 (cited by Labcorp Genetics (formerly Invitae), Labcorp).